The following is an entry in ClinVar:

NM_001737.5(C9):c.1273GTT[1] (p.Val426del)

Gene: C9 (complement C9; minus strand). Cytogenetic location: 5p13.1.
Variant type: Microsatellite.
Coding change: c.1273GTT[1] on transcript NM_001737.5 (MANE Select); one copy of the 3-base unit GTT starting at c.1273; the reference has two copies in a row; one copy, 3 bases deleted.
Protein change: p.Val426del; deletes valine 426.
Molecular consequence: inframe deletion.
Genome position (GRCh38, 1-based): chr5:39,306,755-39,306,757, AAC deleted on the plus strand (GTT on the coding strand, the reverse complement: C9 is on the minus strand); deleting any 3 consecutive bases within chr5:39,306,755-39,306,761 gives the same sequence; the position shown is the placement nearest the transcript's 3' end. VCF-style (leftmost placement, unchanged base first): chr5-39306754-AAAC-A. GRCh37 (hg19) VCF-style: chr5-39306856-AAAC-A.
Other names: short protein forms V426del.
Identifiers: ClinVar variation 2001436 (VCV002001436.4), dbSNP rs2479164653, ClinGen allele CA2580613557.

ClinVar aggregate classification (germline): Uncertain significance (1 of 4 stars; one submission).

Submission:

Labcorp Genetics (formerly Invitae), Labcorp
Classification: Uncertain significance. Last evaluated: 2025-11-03. Review status: criteria provided, single submitter. Criteria: Invitae Variant Classification Sherloc (09022015). Collection method: clinical testing. Allele origin: germline.
Comment: This variant, c.1276_1278del, results in the deletion of 1 amino acid(s) of the C9 protein (p.Val426del), but otherwise preserves the integrity of the reading frame. This variant is not present in population databases (gnomAD no frequency). This variant has not been reported in the literature in individuals affected with C9-related conditions. Experimental studies and prediction algorithms are not available or were not evaluated, and the functional significance of this variant is currently unknown. In summary, the available evidence is currently insufficient to determine the role of this variant in disease. Therefore, it has been classified as a Variant of Uncertain Significance.